The following is an entry in ClinVar:

NM_001370259.2(MEN1):c.655-16C>T

Gene: MEN1 (menin 1; minus strand). Cytogenetic location: 11q13.1.
Variant type: single nucleotide variant.
Coding change: c.655-16C>T on transcript NM_001370259.2 (MANE Select); 16 bases into the intron before coding-DNA position 655, C replaced by T.
Molecular consequence: intron variant.
Genome position (GRCh38, 1-based): chr11:64,807,696, G>A on the plus strand (C>T on the coding strand, the complement: MEN1 is on the minus strand). VCF-style: chr11-64807696-G-A. GRCh37 (hg19) VCF-style: chr11-64575168-G-A.
Other names: c.670-16C>T (NM_130804.3, NM_130803.3, NM_000244.4 and 5 more transcripts); c.550-16C>T (NM_001407148.1, NM_001407149.1, NM_001407151.1 and 2 more transcripts); c.655-16C>T (NM_130799.3, NM_001407144.1, NM_001370260.2 and 7 more transcripts).
Identifiers: ClinVar variation 3773417 (VCV003773417.1).
Genomic context (GRCh38, chr11:64,807,696, plus strand): 5'-CTTGCGGTCACAGCGCATGTATGATCCTTTCAGGTACAGCCAGCTCTTAGGGGGGGATGA[G>A]ATCATTATGTCTCATGATGGCCCACCCTGTGCCTGCTTCAGGGAATGACAGCCAGGAAAA-3'

ClinVar aggregate classification (germline): Likely benign (1 of 4 stars; one submission).

Conditions:
Multiple endocrine neoplasia, type 1 (MEN1). Also called: MEN I; WERMER SYNDROME; Endocrine adenomatosis multiple; MEN 1; MEA I. Identifiers: Orphanet 652, MedGen C0025267, MeSH D018761, MONDO:0007540, OMIM 131100.

Submission:

Myriad Genetics, Inc.
Classification: Likely benign for Multiple endocrine neoplasia, type 1. Last evaluated: 2024-11-01. Review status: criteria provided, single submitter. Criteria: Myriad Autosomal Dominant, Autosomal Recessive and X-Linked Classification Criteria (2023). Collection method: clinical testing. Allele origin: unknown.
Comment: This variant is considered likely benign. This variant is intronic and is not expected to impact mRNA splicing.